The following is an entry in ClinVar:

ClinVar aggregate classification (germline): Uncertain significance (1 of 4 stars; one submission).

gnomAD v4.1: 7 of 1,613,774 alleles (0.00043%); highest among the groups gnomAD compares: Middle Eastern, 0.016%; no homozygotes.

Submission:

Labcorp Genetics (formerly Invitae), Labcorp
Classification: Uncertain significance. Last evaluated: 2022-08-16. Review status: criteria provided, single submitter. Criteria: Invitae Variant Classification Sherloc (09022015). Collection method: clinical testing. Allele origin: germline.
Comment: In summary, the available evidence is currently insufficient to determine the role of this variant in disease. Therefore, it has been classified as a Variant of Uncertain Significance. Algorithms developed to predict the effect of missense changes on protein structure and function are either unavailable or do not agree on the potential impact of this missense change (SIFT: "Deleterious"; PolyPhen-2: "Benign"; Align-GVGD: "Class C0"). ClinVar contains an entry for this variant (Variation ID: 1498531). This variant has not been reported in the literature in individuals affected with CRAT-related conditions. This variant is not present in population databases (gnomAD no frequency). This sequence change replaces leucine, which is neutral and non-polar, with isoleucine, which is neutral and non-polar, at codon 354 of the CRAT protein (p.Leu354Ile).

NM_000755.5(CRAT):c.1060C>A (p.Leu354Ile)

Gene: CRAT (carnitine O-acetyltransferase; minus strand). Cytogenetic location: 9q34.11.
Variant type: single nucleotide variant.
Coding change: c.1060C>A on transcript NM_000755.5 (MANE Select); coding-DNA position 1060, C replaced by A.
Protein change: p.Leu354Ile; replaces leucine 354 with isoleucine.
Molecular consequence: missense variant.
Genome position (GRCh38, 1-based): chr9:129,099,891, G>T on the plus strand (C>A on the coding strand, the complement: CRAT is on the minus strand). VCF-style: chr9-129099891-G-T. GRCh37 (hg19) VCF-style: chr9-131862170-G-T.
Other names: c.997C>A, p.Leu333Ile (NM_001257363.3, NM_001346548.2, NM_004003.4); c.1063C>A, p.Leu355Ile (NM_001346546.2); c.1060C>A, p.Leu354Ile (NM_001346547.2); c.940C>A, p.Leu314Ile (NM_001346549.2); short protein forms L314I, L333I, L355I, L354I.
Identifiers: ClinVar variation 1498531 (VCV001498531.6), dbSNP rs1353547265, ClinGen allele CA375141894.